The following is an entry in ClinVar:

NM_000123.4(ERCC5):c.1955-2A>T

Genes: BIVM-ERCC5 (BIVM-ERCC5 readthrough; plus strand), ERCC5 (ERCC excision repair 5, endonuclease; plus strand). Cytogenetic location: 13q33.1.
Variant type: single nucleotide variant.
Coding change: c.1955-2A>T on transcript NM_000123.4 (MANE Select); the canonical splice acceptor site of the intron before coding-DNA position 1955, A replaced by T.
Molecular consequence: splice acceptor variant.
Genome position (GRCh38, 1-based): chr13:102,865,665, A>T. VCF-style: chr13-102865665-A-T. GRCh37 (hg19) VCF-style: chr13-103518015-A-T.
Other names: c.3317-2A>T (NM_001204425.2).
Identifiers: ClinVar variation 5005216 (VCV005005216.2).
Genomic context (GRCh38, chr13:102,865,665, plus strand): 5'-TGATTGCAGGATCATTTTAATGTTTTGATTGTAGATGAAGTGACCTTTTAATTTTGGTAC[A>T]GGAAGTTTCATTGAAGTGCAAAGTGTGATTAGTGATGAGGAACTTCAAGCAGAATTCCCT-3'

ClinVar aggregate classification (germline): Likely pathogenic (1 of 4 stars; one submission).

Conditions:
Cerebrooculofacioskeletal syndrome 3 (COFS3). Identifiers: MedGen C1851443, MONDO:0014696, OMIM 616570.
Xeroderma pigmentosum, group G (XPG). Also called: XERODERMA PIGMENTOSUM VII; XP, GROUP G; Xeroderma pigmentosum type 7; ERCC5-Related Xeroderma Pigmentosum. Identifiers: MedGen C0268141, MONDO:0010216, OMIM 278780.

gnomAD v4.1: 1 of 1,613,538 alleles (0.000062%); highest among the groups gnomAD compares: Non-Finnish European, 0.000085%; no homozygotes.

Submission:

Juno Genomics, Hangzhou Juno Genomics, Inc
Classification: Likely pathogenic for Cerebrooculofacioskeletal syndrome 3; Xeroderma pigmentosum, group G. Review status: criteria provided, single submitter. Criteria: ACMG Guidelines, 2015. Collection method: clinical testing. Allele origin: germline.
Comment: Null variant in a gene where loss of function (LOF) is a known mechanism of disease.;Absent from controls (or at extremely low frequency if recessive) in Genome Aggregation Database.